The following is an entry in ClinVar:

ClinVar aggregate classification (germline): Conflicting classifications of pathogenicity. Review status: criteria provided, conflicting classifications (1 of 4 stars). 2 submissions from 2 submitters: Likely pathogenic (1); Uncertain significance (1). Last evaluated 2024-05-07.

Conditions:
Nonsyndromic congenital nail disorder 8. Also called: TOENAIL DYSTROPHY, ISOLATED. Identifiers: MedGen C1843761, MONDO:0011852, OMIM 607523.
Recessive dystrophic epidermolysis bullosa (RDEB). Also called: epidermolysis bullosa dystrophica, autosomal recessive; EPIDERMOLYSIS BULLOSA DYSTROPHICA, GENERALIZED SEVERE, AUTOSOMAL RECESSIVE; Epidermolysis Bullosa Distrophica Autosomal Recessive (RDEB); DYSTROPHIC EPIDERMOLYSIS BULLOSA, AUTOSOMAL RECESSIVE; EPIDERMOLYSIS BULLOSA DYSTROPHICA, HALLOPEAU-SIEMENS TYPE; Recessive DEB (RDEB). Identifiers: Orphanet 79408, Orphanet 79409, MedGen C0079474, MONDO:0009179, OMIM 226600.
Dominant dystrophic epidermolysis bullosa with absence of skin. Also called: EPIDERMOLYSIS BULLOSA WITH CONGENITAL LOCALIZED ABSENCE OF SKIN AND DEFORMITY OF NAILS; EPIDERMOLYSIS BULLOSA DYSTROPHICA, BART TYPE. Identifiers: MedGen C0268371, MONDO:0007557, OMIM 132000.
Epidermolysis bullosa pruriginosa. Also called: DEB, PRURIGINOSA; DYSTROPHIC EPIDERMOLYSIS BULLOSA PRURIGINOSA. Identifiers: Orphanet 89843, MedGen C1275114, MONDO:0011398, OMIM 604129.
Generalized dominant dystrophic epidermolysis bullosa (DDEB). Also called: DDEB, generalized; DDEB-gen; DYSTROPHIC EPIDERMOLYSIS BULLOSA, AUTOSOMAL DOMINANT; Epidermolysis bullosa dystrophica, autosomal dominant; Dominant DEB (DDEB). Identifiers: Orphanet 231568, MedGen C0432322, MONDO:0007549, OMIM 131750.
Pretibial dystrophic epidermolysis bullosa. Also called: Pretibial blistering; EPIDERMOLYSIS BULLOSA DYSTROPHICA, PRETIBIAL; Pretibial epidermolysis bullosa. Identifiers: Orphanet 79410, MedGen C0432321, MONDO:0007552, OMIM 131850, HP:0012221.
Transient bullous dermolysis of the newborn (TBDN). Also called: EPIDERMOLYSIS BULLOSA DYSTROPHICA, NEONATAL FORM; DYSTROPHIC EPIDERMOLYSIS BULLOSA, NEONATAL. Identifiers: Orphanet 79411, MedGen C1851573, MONDO:0007548, OMIM 131705.

Allele frequency attached by ClinVar (database versions not stated): ExAC 0.00001; gnomAD 0.00001; gnomAD exomes 0.00001.
gnomAD v4.1: 6 of 1,613,938 alleles (0.00037%); highest among the groups gnomAD compares: East Asian, 0.013%; no homozygotes.

Submissions (2):

Fulgent Genetics
Classification: Likely pathogenic for Transient bullous dermolysis of the newborn; Generalized dominant dystrophic epidermolysis bullosa; Pretibial dystrophic epidermolysis bullosa; Dominant dystrophic epidermolysis bullosa with absence of skin; Recessive dystrophic epidermolysis bullosa; Epidermolysis bullosa pruriginosa; Nonsyndromic congenital nail disorder 8. Last evaluated: 2024-05-07. Review status: criteria provided, single submitter. Criteria: ACMG Guidelines, 2015. Collection method: clinical testing. Allele origin: germline.

Labcorp Genetics (formerly Invitae), Labcorp
Classification: Uncertain significance. Last evaluated: 2022-05-21. Review status: criteria provided, single submitter. Criteria: Invitae Variant Classification Sherloc (09022015). Collection method: clinical testing. Allele origin: germline.
Comment: This sequence change replaces glycine, which is neutral and non-polar, with arginine, which is basic and polar, at codon 2455 of the COL7A1 protein (p.Gly2455Arg). This variant is present in population databases (rs754075625, gnomAD 0.02%). This variant has not been reported in the literature in individuals affected with COL7A1-related conditions. Advanced modeling of protein sequence and biophysical properties (such as structural, functional, and spatial information, amino acid conservation, physicochemical variation, residue mobility, and thermodynamic stability) performed at Invitae indicates that this missense variant is expected to disrupt COL7A1 protein function. Algorithms developed to predict the effect of sequence changes on RNA splicing suggest that this variant may create or strengthen a splice site. This variant disrupts the triple helix domain of COL7A1. Glycine residues within the Gly-Xaa-Yaa repeats of the triple helix domain are required for the structure and stability of fibrillar collagens (PMID: 7695699, 8218237, 19344236), and variants at these glycine residues in COL7A1 are more frequently observed in individuals with disease than in the general population (PMID: 22058051). However, the clinical significance of this observation remains uncertain since only a limited number of affected individuals have been described to date. In summary, the available evidence is currently insufficient to determine the role of this variant in disease. Therefore, it has been classified as a Variant of Uncertain Significance.

Literature cited by the submitters: PubMed 7695699 (cited by Labcorp Genetics (formerly Invitae), Labcorp); PubMed 8218237 (cited by Labcorp Genetics (formerly Invitae), Labcorp); PubMed 19344236 (cited by Labcorp Genetics (formerly Invitae), Labcorp); PubMed 22058051 (cited by Labcorp Genetics (formerly Invitae), Labcorp).

NM_000094.4(COL7A1):c.7363G>A (p.Gly2455Arg)

Gene: COL7A1 (collagen type VII alpha 1 chain; minus strand). Cytogenetic location: 3p21.31.
Variant type: single nucleotide variant.
Coding change: c.7363G>A on transcript NM_000094.4 (MANE Select); coding-DNA position 7363, G replaced by A.
Protein change: p.Gly2455Arg; replaces glycine 2455 with arginine.
Molecular consequence: missense variant.
Genome position (GRCh38, 1-based): chr3:48,570,482, C>T on the plus strand (G>A on the coding strand, the complement: COL7A1 is on the minus strand). VCF-style: chr3-48570482-C-T. GRCh37 (hg19) VCF-style: chr3-48607915-C-T.
Other names: short protein forms G2455R.
Identifiers: ClinVar variation 2159283 (VCV002159283.2), dbSNP rs754075625, ClinGen allele CA2378536.